The following is an entry in ClinVar:

ClinVar aggregate classification (germline): Uncertain significance (1 of 4 stars; one submission).

Submission:

Ambry Genetics
Classification: Uncertain significance. Last evaluated: 2022-10-06. Review status: criteria provided, single submitter. Criteria: Ambry Variant Classification Scheme 2023. Collection method: clinical testing. Allele origin: germline.
Comment: The p.N1749K variant (also known as c.5247C>A), located in coding exon 45 of the KIF1B gene, results from a C to A substitution at nucleotide position 5247. The asparagine at codon 1749 is replaced by lysine, an amino acid with similar properties. This amino acid position is conserved. In addition, this alteration is predicted to be tolerated by in silico analysis. Since supporting evidence is limited at this time, the clinical significance of this alteration remains unclear.

NM_001365951.3(KIF1B):c.5385C>A (p.Asn1795Lys)

Gene: KIF1B (kinesin family member 1B; plus strand). Cytogenetic location: 1p36.22.
Variant type: single nucleotide variant.
Coding change: c.5385C>A on transcript NM_001365951.3 (MANE Select); coding-DNA position 5385, C replaced by A.
Protein change: p.Asn1795Lys; replaces asparagine 1795 with lysine.
Molecular consequence: missense variant.
Genome position (GRCh38, 1-based): chr1:10,375,350, C>A. VCF-style: chr1-10375350-C-A. GRCh37 (hg19) VCF-style: chr1-10435408-C-A.
Other names: c.5385C>A, p.Asn1795Lys (NM_001365952.1); c.5247C>A, p.Asn1749Lys (NM_015074.3); short protein forms N1795K, N1749K.
Identifiers: ClinVar variation 1746323 (VCV001746323.2), dbSNP rs747560588, ClinGen allele CA338332014.
Genomic context (GRCh38, chr1:10,375,350, plus strand): 5'-TGGGGTCCTTTTGCAGGCCCTCAATGACAAAGACATGAACGACTGGTTGTATGCCTTCAA[C>A]CCACTTCTAGCTGGCACAATACGGTAAGAAGTTTTGTTGTTGTTGTTGTTGTTTTTGAGA-3'
Protein context (NP_001352880.1, residues 1785-1805): KDMNDWLYAF[Asn1795Lys]PLLAGTIRSK